The following is an entry in ClinVar:

NM_004482.4(GALNT3):c.1682G>C (p.Cys561Ser)

Gene: GALNT3 (polypeptide N-acetylgalactosaminyltransferase 3; minus strand). Cytogenetic location: 2q24.3.
Variant type: single nucleotide variant.
Coding change: c.1682G>C on transcript NM_004482.4 (MANE Select); coding-DNA position 1682, G replaced by C.
Protein change: p.Cys561Ser; replaces cysteine 561 with serine.
Molecular consequence: missense variant.
Genome position (GRCh38, 1-based): chr2:165,749,839, C>G on the plus strand (G>C on the coding strand, the complement: GALNT3 is on the minus strand). VCF-style: chr2-165749839-C-G. GRCh37 (hg19) VCF-style: chr2-166606349-C-G.
Other names: short protein forms C561S.
Identifiers: ClinVar variation 2707591 (VCV002707591.3), dbSNP rs1688324714, ClinGen allele CA349028653.

ClinVar aggregate classification (germline): Likely pathogenic (1 of 4 stars; one submission).

Allele frequency attached by ClinVar (database versions not stated): gnomAD exomes below 0.00001.
gnomAD v4.1: 1 of 1,613,642 alleles (0.000062%); highest among the groups gnomAD compares: Non-Finnish European, 0.000085%; no homozygotes.

Submission:

Labcorp Genetics (formerly Invitae), Labcorp
Classification: Likely pathogenic. Last evaluated: 2024-01-04. Review status: criteria provided, single submitter. Criteria: Invitae Variant Classification Sherloc (09022015). Collection method: clinical testing. Allele origin: germline.
Comment: This sequence change replaces cysteine, which is neutral and slightly polar, with serine, which is neutral and polar, at codon 561 of the GALNT3 protein (p.Cys561Ser). This variant is not present in population databases (gnomAD no frequency). This missense change has been observed in individual(s) with tumoral calcinosis (PMID: 33614378). It has also been observed to segregate with disease in related individuals. Advanced modeling of protein sequence and biophysical properties (such as structural, functional, and spatial information, amino acid conservation, physicochemical variation, residue mobility, and thermodynamic stability) performed at Invitae indicates that this missense variant is expected to disrupt GALNT3 protein function with a positive predictive value of 80%. In summary, the currently available evidence indicates that the variant is pathogenic, but additional data are needed to prove that conclusively. Therefore, this variant has been classified as Likely Pathogenic.

Literature cited by the submitters: PubMed 33614378.